The following is an entry in ClinVar:

ClinVar aggregate classification (germline): Benign/Likely benign. Review status: criteria provided, multiple submitters, no conflicts (2 of 4 stars). 5 submissions from 5 submitters: Benign (2); Likely benign (3). Last evaluated 2025-12-15.

Conditions:
Epidermolysis bullosa simplex 5B, with muscular dystrophy (EBS5B). Also called: EPIDERMOLYSIS BULLOSA SIMPLEX AND LIMB-GIRDLE MUSCULAR DYSTROPHY; Epidermolysis bullosa simplex with muscular dystrophy. Identifiers: Orphanet 257, MedGen C2931072, MONDO:0009181, OMIM 226670.
Epidermolysis bullosa simplex with nail dystrophy (EBS5D). Identifiers: MedGen C4225309, MONDO:0014661, OMIM 616487.
Autosomal recessive limb-girdle muscular dystrophy type 2Q (LGMDR17). Also called: MUSCULAR DYSTROPHY, LIMB-GIRDLE, AUTOSOMAL RECESSIVE 17. Identifiers: Orphanet 254361, MedGen C3150989, MONDO:0013390, OMIM 613723.
Epidermolysis bullosa simplex, Ogna type (EBS5A). Also called: EPIDERMOLYSIS BULLOSA SIMPLEX 5A, OGNA TYPE; Pidermolysis bullosa simplex 5A, Ogna type. Identifiers: Orphanet 79401, MedGen C0432317, MONDO:0007555, OMIM 131950.
Epidermolysis bullosa simplex 5C, with pyloric atresia (EBS5C). Also called: PLEC-Related Epidermolysis Bullosa with Pyloric Atresia; Epidermolysis bullosa simplex with pyloric atresia; PLEC1-Related Epidermolysis Bullosa with Pyloric Atresia. Identifiers: Orphanet 158684, MedGen C2677349, MONDO:0012807, OMIM 612138.

Allele frequency attached by ClinVar (database versions not stated): gnomAD 0.00036 and 0.00049; TOPMed 0.00057; 1000 Genomes Project 30x 0.00156; 1000 Genomes Project 0.00180.
gnomAD v4.1: 507 of 1,597,504 alleles (0.032%); highest among the groups gnomAD compares: East Asian, 0.92%; 3 homozygotes.

Submissions (5):

Labcorp Genetics (formerly Invitae), Labcorp
Classification: Benign for Autosomal recessive limb-girdle muscular dystrophy type 2Q; Epidermolysis bullosa simplex, Ogna type; Epidermolysis bullosa simplex with nail dystrophy; Epidermolysis bullosa simplex 5C, with pyloric atresia; Epidermolysis bullosa simplex 5B, with muscular dystrophy. Last evaluated: 2025-12-15. Review status: criteria provided, single submitter. Criteria: Invitae Variant Classification Sherloc (09022015). Collection method: clinical testing. Allele origin: germline.

Blueprint Genetics
Classification: Likely benign. Last evaluated: 2024-10-10. Review status: criteria provided, single submitter. Criteria: ACMG Guidelines, 2015. Collection method: clinical testing. Allele origin: germline.

Athena Diagnostics
Classification: Benign. Last evaluated: 2018-09-12. Review status: criteria provided, single submitter. Criteria: Athena Diagnostics Criteria. Collection method: clinical testing. Allele origin: germline.

GeneDx
Classification: Likely benign. Last evaluated: 2017-03-29. Review status: criteria provided, single submitter. Criteria: GeneDx Variant Classification (06012015). Collection method: clinical testing. Allele origin: germline. Affected: yes.
Comment: This variant is considered likely benign or benign based on one or more of the following criteria: it is a conservative change, it occurs at a poorly conserved position in the protein, it is predicted to be benign by multiple in silico algorithms, and/or has population frequency not consistent with disease.

Eurofins Ntd Llc (ga)
Classification: Likely benign. Last evaluated: 2017-01-18. Review status: criteria provided, single submitter. Criteria: EGL Classification Definitions 2015. Collection method: clinical testing. Allele origin: germline. Observed: 4 variant alleles, 4 heterozygotes.

NM_201384.3(PLEC):c.5673C>T (p.Ile1891=)

Gene: PLEC (plectin; minus strand). Cytogenetic location: 8q24.3.
Variant type: single nucleotide variant.
Coding change: c.5673C>T on transcript NM_201384.3 (MANE Select); coding-DNA position 5673, C replaced by T.
Protein change: p.Ile1891=; no amino-acid change (isoleucine 1891 retained).
Molecular consequence: synonymous variant.
Genome position (GRCh38, 1-based): chr8:143,924,256, G>A on the plus strand (C>T on the coding strand, the complement: PLEC is on the minus strand). VCF-style: chr8-143924256-G-A. GRCh37 (hg19) VCF-style: chr8-144998424-G-A.
Other names: c.5754C>T, p.Ile1918= (NM_000445.5); c.5631C>T, p.Ile1877= (NM_201378.4); c.5607C>T, p.Ile1869= (NM_201379.3); c.6084C>T, p.Ile2028= (NM_201380.4); c.5577C>T, p.Ile1859= (NM_201381.3); c.5673C>T, p.Ile1891= (NM_201382.4); c.5685C>T, p.Ile1895= (NM_201383.3).
Identifiers: ClinVar variation 93065 (VCV000093065.16), dbSNP rs191863619, ClinGen allele CA220928.